The following is an entry in ClinVar:

NM_001457.4(FLNB):c.2851G>A (p.Gly951Arg)

Gene: FLNB (filamin B; plus strand). Cytogenetic location: 3p14.3.
Variant type: single nucleotide variant.
Coding change: c.2851G>A on transcript NM_001457.4 (MANE Select); coding-DNA position 2851, G replaced by A.
Protein change: p.Gly951Arg; replaces glycine 951 with arginine.
Molecular consequence: missense variant.
Genome position (GRCh38, 1-based): chr3:58,118,977, G>A. VCF-style: chr3-58118977-G-A. GRCh37 (hg19) VCF-style: chr3-58104704-G-A.
Other names: c.2851G>A, p.Gly951Arg (NM_001164317.2, NM_001164318.2, NM_001164319.2); short protein forms G951R.
Identifiers: ClinVar variation 2372472 (VCV002372472.5), dbSNP rs1459189102, ClinGen allele CA353346702.
Genomic context (GRCh38, chr3:58,118,977, plus strand): 5'-AAAAGCCCTTTCACTGTGGGTGTTGCTGCACCGCTGGATCTGAGCAAGATAAAACTCAAT[G>A]GGCTGGAAAACAGTAAGTGCCTGAATGGAGAGCAGATGGGTTGTTGATGACCCCCCAACG-3'
Protein context (NP_001448.2, residues 941-961): PLDLSKIKLN[Gly951Arg]LENRVEVGKD

ClinVar aggregate classification (germline): Uncertain significance. Review status: criteria provided, multiple submitters, no conflicts (2 of 4 stars). 2 submissions from 2 submitters: Uncertain significance (2). Last evaluated 2023-10-05.

Conditions:
Inborn genetic diseases. Identifiers: MedGen C0950123, MeSH D030342.

gnomAD v4.1: 6 of 1,612,986 alleles (0.00037%); highest among the groups gnomAD compares: Non-Finnish European, 0.00051%; no homozygotes.

Submissions (2):

Labcorp Genetics (formerly Invitae), Labcorp
Classification: Uncertain significance. Last evaluated: 2023-10-05. Review status: criteria provided, single submitter. Criteria: Invitae Variant Classification Sherloc (09022015). Collection method: clinical testing. Allele origin: germline.
Comment: This sequence change replaces glycine, which is neutral and non-polar, with arginine, which is basic and polar, at codon 951 of the FLNB protein (p.Gly951Arg). This variant is present in population databases (no rsID available, gnomAD 0.002%). This variant has not been reported in the literature in individuals affected with FLNB-related conditions. ClinVar contains an entry for this variant (Variation ID: 2372472). Advanced modeling of protein sequence and biophysical properties (such as structural, functional, and spatial information, amino acid conservation, physicochemical variation, residue mobility, and thermodynamic stability) performed at Invitae indicates that this missense variant is not expected to disrupt FLNB protein function. In summary, the available evidence is currently insufficient to determine the role of this variant in disease. Therefore, it has been classified as a Variant of Uncertain Significance.

Ambry Genetics
Classification: Uncertain significance for Inborn genetic diseases. Last evaluated: 2022-06-28. Review status: criteria provided, single submitter. Criteria: Ambry Variant Classification Scheme 2023. Collection method: clinical testing. Allele origin: germline.